The following is an entry in ClinVar:

ClinVar aggregate classification (germline): Uncertain significance (1 of 4 stars; one submission).

Submission:

Women's Health and Genetics/Laboratory Corporation of America, LabCorp
Classification: Uncertain significance. Last evaluated: 2021-07-23. Review status: criteria provided, single submitter. Criteria: LabCorp Variant Classification Summary - May 2015. Collection method: clinical testing. Allele origin: germline.
Comment: Variant summary: KMT2C c.2578C>T (p.Pro860Ser) results in a non-conservative amino acid change in the encoded protein sequence. Three of five in-silico tools predict a damaging effect of the variant on protein function. The variant was absent in 247282 control chromosomes (gnomAD). The available data on variant occurrences in the general population are insufficient to allow any conclusion about variant significance. The variant, c.2578C>T, has been reported in the literature in multiple exome sequencing studies, and was found in individuals affected with varying phenotypes, including autism spectrum disorder (ASD), familiar medullary thyroid cancer (MTC), congenital insensitivity to pain with anhidrosis (CIPA) and seizures, cortical blindness, and microcephaly syndrome (SCBMS), however several other variants, including other KMT2C variants were also found in these patients (Sponziello_2017, Garcia-Ortiz_2020, Lopez-Cortes_2020, Kaustio_2021). These reports do not provide unequivocal conclusions about association of the variant with disease. To our knowledge, no experimental evidence demonstrating an impact on protein function has been reported. No clinical diagnostic laboratories have submitted clinical-significance assessments for this variant to ClinVar after 2014. Based on the evidence outlined above, the variant was classified as uncertain significance.

Literature cited by the submitters: PubMed 30826922; PubMed 33662367; PubMed 32807182; PubMed 29219214.

NM_170606.3(KMT2C):c.2578C>T (p.Pro860Ser)

Gene: KMT2C (lysine methyltransferase 2C; minus strand). Cytogenetic location: 7q36.1.
Variant type: single nucleotide variant.
Coding change: c.2578C>T on transcript NM_170606.3 (MANE Select); coding-DNA position 2578, C replaced by T.
Protein change: p.Pro860Ser; replaces proline 860 with serine.
Molecular consequence: missense variant.
Genome position (GRCh38, 1-based): chr7:152,238,781, G>A on the plus strand (C>T on the coding strand, the complement: KMT2C is on the minus strand). VCF-style: chr7-152238781-G-A. GRCh37 (hg19) VCF-style: chr7-151935866-G-A.
Other names: short protein forms P860S.
Identifiers: ClinVar variation 1192209 (VCV001192209.1), dbSNP rs112515611, ClinGen allele CA169245012.